The following is an entry in ClinVar:

NM_003919.3(SGCE):c.1253+766_1253+767dup

Genes: CASD1 (CAS1 domain containing 1; plus strand), SGCE (sarcoglycan epsilon; minus strand). Cytogenetic location: 7q21.3.
Variant type: Duplication.
Coding change: c.1253+766_1253+767dup on transcript NM_003919.3 (MANE Select); bases 766 to 767 of the intron after coding-DNA position 1253, 2 bases duplicated (TT; older notation c.1253+766_1253+767dupTT).
Molecular consequence: intron variant.
Genome position (GRCh38, 1-based): chr7:94,598,008-94,598,009, AA duplicated on the plus strand (TT on the coding strand, the reverse complement: SGCE is on the minus strand); duplicating any 2 consecutive bases within chr7:94,598,008-94,598,019 gives the same sequence; the c. name uses the placement nearest the transcript's 3' end. VCF-style (leftmost placement, unchanged base first): chr7-94598007-T-TAA. GRCh37 (hg19) VCF-style: chr7-94227319-T-TAA.
Other names: c.1103+766_1103+767dup (NM_001362809.2); c.1130+766_1130+767dup (NM_001301139.2); c.1226+766_1226+767dup (NM_001346717.2, NM_001099400.2); c.1254-5_1254-4dup (NM_001099401.2); c.1334+766_1334+767dup (NM_001346715.2); c.1361+766_1361+767dup (NM_001346713.2); c.1139+766_1139+767dup (NM_001362807.2); c.953+766_953+767dup (NM_001362808.2); and 2 more.
Identifiers: ClinVar variation 3042525 (VCV003042525.2), dbSNP rs750493304, ClinGen allele CA576328523.

ClinVar aggregate classification (germline): Benign (0 of 4 stars; one submission).

Conditions:
SGCE-related disorder. Also called: SGCE-related condition.

Submission:

PreventionGenetics, part of Exact Sciences
Classification: Benign for SGCE-related condition. Last evaluated: 2019-12-23. Review status: no assertion criteria provided. Collection method: clinical testing. Allele origin: germline.
Comment: This variant is classified as benign based on ACMG/AMP sequence variant interpretation guidelines (Richards et al. 2015 PMID: 25741868, with internal and published modifications).